The following is an entry in ClinVar:

NM_000275.3(OCA2):c.1142A>G (p.Glu381Gly)

Gene: OCA2 (OCA2 melanosomal transmembrane protein; minus strand). Cytogenetic location: 15q13.1.
Variant type: single nucleotide variant.
Coding change: c.1142A>G on transcript NM_000275.3 (MANE Select); coding-DNA position 1142, A replaced by G.
Protein change: p.Glu381Gly; replaces glutamic acid 381 with glycine.
Molecular consequence: missense variant.
Genome position (GRCh38, 1-based): chr15:27,989,641, T>C on the plus strand (A>G on the coding strand, the complement: OCA2 is on the minus strand). VCF-style: chr15-27989641-T-C. GRCh37 (hg19) VCF-style: chr15-28234787-T-C.
Other names: c.1070A>G, p.Glu357Gly (NM_001300984.2); short protein forms E357G, E381G.
Identifiers: ClinVar variation 3902631 (VCV003902631.2).

ClinVar aggregate classification (germline): Uncertain significance. Review status: criteria provided, multiple submitters, no conflicts (2 of 4 stars). 2 submissions from 2 submitters: Uncertain significance (2). Last evaluated 2025-12-08.

Conditions:
Albinism or congenital nystagmus.

Submissions (2):

NHS Central & South Genomic Laboratory Hub
Classification: Uncertain significance for Albinism or congenital nystagmus. Last evaluated: 2025-12-08. Review status: criteria provided, single submitter. Criteria: ACMG Guidelines, 2015. Collection method: clinical testing. Allele origin: germline. Affected: yes.

Women's Health and Genetics/Laboratory Corporation of America, LabCorp
Classification: Uncertain significance. Last evaluated: 2025-05-28. Review status: criteria provided, single submitter. Criteria: LabCorp Variant Classification Summary - May 2015. Collection method: clinical testing. Allele origin: germline.
Comment: Variant summary: OCA2 c.1142A>G (p.Glu381Gly) results in a non-conservative amino acid change in the encoded protein sequence. Algorithms developed to predict the effect of missense changes on protein structure and function are either unavailable or do not agree on the potential impact of this missense change. The variant was absent in 251406 control chromosomes. The available data on variant occurrences in the general population are insufficient to allow any conclusion about variant significance. c.1142A>G has been observed in one individual affected with Oculocutaneous Albinism and at a homozygous state in two indiviudals from a family with Inherited Retinal Disease (Wei_2022, Lin_2024). These data do not allow any conclusion about variant significance. To our knowledge, no experimental evidence demonstrating an impact on protein function has been reported. The following publications have been ascertained in the context of this evaluation (PMID: 38219857, 34838614). No submitters have cited clinical-significance assessments for this variant to ClinVar. Based on the evidence outlined above, the variant was classified as uncertain significance.

Literature cited by the submitters: PubMed 34838614 (cited by Women's Health and Genetics/Laboratory Corporation of America, LabCorp); PubMed 38219857 (cited by Women's Health and Genetics/Laboratory Corporation of America, LabCorp).